The following is an entry in ClinVar:

ClinVar aggregate classification (germline): Uncertain significance (1 of 4 stars; one submission).

Conditions:
Dilated cardiomyopathy 1G (CMD1G). Identifiers: Orphanet 154, MedGen C1858763, MONDO:0011400, OMIM 604145.
Autosomal recessive limb-girdle muscular dystrophy type 2J (LGMDR10). Also called: Limb-girdle muscular dystrophy, type 2J; MUSCULAR DYSTROPHY, LIMB-GIRDLE, AUTOSOMAL RECESSIVE 10. Identifiers: Orphanet 140922, MedGen C1837342, MONDO:0012127, OMIM 608807.

Submission:

Labcorp Genetics (formerly Invitae), Labcorp
Classification: Uncertain significance for Dilated cardiomyopathy 1G; Autosomal recessive limb-girdle muscular dystrophy type 2J. Last evaluated: 2021-04-02. Review status: criteria provided, single submitter. Criteria: Invitae Variant Classification Sherloc (09022015). Collection method: clinical testing. Allele origin: germline.
Comment: This variant is located in the M band of TTN (PMID: 25589632). Variants in this region may be relevant for neuromuscular disorders, but have not been definitively shown to cause cardiomyopathy (PMID: 23975875). In summary, the available evidence is currently insufficient to determine the role of this variant in disease. Therefore, it has been classified as a Variant of Uncertain Significance. Experimental studies and prediction algorithms are not available or were not evaluated, and the functional significance of this variant is currently unknown. This variant has not been reported in the literature in individuals with TTN-related conditions. This variant is not present in population databases (ExAC no frequency). This variant, c.106137_106139dup, results in the insertion of 1 amino acid(s) to the TTN protein (p.Phe35379_Lys35380insAsn), but otherwise preserves the integrity of the reading frame.

Literature cited by the submitters: PubMed 25589632; PubMed 23975875.

NM_001267550.2(TTN):c.106137_106139dup (p.Phe35379_Lys35380insAsn)

Genes: TTN-AS1 (TTN antisense RNA 1; plus strand), TTN (titin; minus strand), LOC129935182 (ATAC-STARR-seq lymphoblastoid active region 16807; plus strand). Cytogenetic location: 2q31.2.
Variant type: Duplication.
Coding change: c.106137_106139dup on transcript NM_001267550.2 (MANE Select); coding-DNA positions 106137 to 106139, 3 bases duplicated (TAA; older notation c.106137_106139dupTAA).
Protein change: p.Phe35379_Lys35380insAsn.
Molecular consequence: inframe insertion.
Genome position (GRCh38, 1-based): chr2:178,530,476-178,530,478, TTA duplicated on the plus strand (TAA on the coding strand, the reverse complement: TTN is on the minus strand). VCF-style (leftmost placement, unchanged base first): chr2-178530475-C-CTTA. GRCh37 (hg19) VCF-style: chr2-179395202-C-CTTA.
Other names: c.101214_101216dup, p.Phe33738_Lys33739insAsn (NM_001256850.1); c.78942_78944dup, p.Phe26314_Lys26315insAsn (NM_003319.4); c.98433_98435dup, p.Phe32811_Lys32812insAsn (NM_133378.4); c.79317_79319dup, p.Phe26439_Lys26440insAsn (NM_133432.3); c.79518_79520dup, p.Phe26506_Lys26507insAsn (NM_133437.4).
Identifiers: ClinVar variation 1460628 (VCV001460628.8), dbSNP rs2154132776, ClinGen allele CA2573134091.